The following is an entry in ClinVar:

ClinVar aggregate classification (germline): Uncertain significance (1 of 4 stars; one submission).

Conditions:
Frontotemporal dementia and/or amyotrophic lateral sclerosis 1 (FTDALS1). Also called: C9orf72 Frontotemporal Dementia and/or Amyotrophic Lateral Sclerosis; Frontotemporal dementia with motor neuron disease 1. Identifiers: Orphanet 275872, MedGen C5779877, MONDO:0007105, OMIM 105550.
Paget disease of bone 2, early-onset (PDB2). Also called: Paget disease of bone 2. Identifiers: MedGen C4085251, MONDO:0011183, OMIM 602080.

Submission:

Labcorp Genetics (formerly Invitae), Labcorp
Classification: Uncertain significance for Paget disease of bone 2, early-onset; Frontotemporal dementia and/or amyotrophic lateral sclerosis 1. Last evaluated: 2024-07-13. Review status: criteria provided, single submitter. Criteria: Invitae Variant Classification Sherloc (09022015). Collection method: clinical testing. Allele origin: germline.
Comment: This sequence change replaces leucine, which is neutral and non-polar, with proline, which is neutral and non-polar, at codon 417 of the SQSTM1 protein (p.Leu417Pro). This variant is not present in population databases (gnomAD no frequency). This variant has not been reported in the literature in individuals affected with SQSTM1-related conditions. Advanced modeling of protein sequence and biophysical properties (such as structural, functional, and spatial information, amino acid conservation, physicochemical variation, residue mobility, and thermodynamic stability) performed at Invitae indicates that this missense variant is expected to disrupt SQSTM1 protein function with a positive predictive value of 80%. In summary, the available evidence is currently insufficient to determine the role of this variant in disease. Therefore, it has been classified as a Variant of Uncertain Significance.

NM_003900.5(SQSTM1):c.1250T>C (p.Leu417Pro)

Gene: SQSTM1 (sequestosome 1; plus strand). Cytogenetic location: 5q35.3.
Variant type: single nucleotide variant.
Coding change: c.1250T>C on transcript NM_003900.5 (MANE Select); coding-DNA position 1250, T replaced by C.
Protein change: p.Leu417Pro; replaces leucine 417 with proline.
Molecular consequence: missense variant.
Genome position (GRCh38, 1-based): chr5:179,836,520, T>C. VCF-style: chr5-179836520-T-C. GRCh37 (hg19) VCF-style: chr5-179263520-T-C.
Other names: c.998T>C, p.Leu333Pro (NM_001142298.2, NM_001142299.2); short protein forms L333P, L417P.
Identifiers: ClinVar variation 3763340 (VCV003763340.2).